The following is an entry in ClinVar:

ClinVar aggregate classification (germline): Uncertain significance (1 of 4 stars; one submission).

Conditions:
Immunodeficiency 35 (IMD35). Also called: Susceptibility to infection due to TYK2 deficiency; HIES WITH ATYPICAL MYCOBACTERIOSIS, AUTOSOMAL RECESSIVE; HYPER-IgE SYNDROME WITH ATYPICAL MYCOBACTERIOSIS, AUTOSOMAL RECESSIVE; TYK2 DEFICIENCY. Identifiers: Orphanet 331226, MedGen C1969086, MONDO:0012682, OMIM 611521.

Allele frequency attached by ClinVar (database versions not stated): ExAC 0.00002.
gnomAD v4.1: 2 of 1,614,106 alleles (0.00012%); highest among the groups gnomAD compares: Non-Finnish European, 0.00017%; no homozygotes.

Submission:

Labcorp Genetics (formerly Invitae), Labcorp
Classification: Uncertain significance for Immunodeficiency 35. Last evaluated: 2022-06-26. Review status: criteria provided, single submitter. Criteria: Invitae Variant Classification Sherloc (09022015). Collection method: clinical testing. Allele origin: germline.
Comment: This variant has not been reported in the literature in individuals affected with TYK2-related conditions. Algorithms developed to predict the effect of sequence changes on RNA splicing suggest that this variant is not likely to affect RNA splicing. In summary, the available evidence is currently insufficient to determine the role of this variant in disease. Therefore, it has been classified as a Variant of Uncertain Significance. This sequence change affects codon 106 of the TYK2 mRNA. It is a 'silent' change, meaning that it does not change the encoded amino acid sequence of the TYK2 protein. It affects a nucleotide within the consensus splice site. This variant is present in population databases (rs769483124, gnomAD 0.002%).

NM_003331.5(TYK2):c.318G>A (p.Arg106=)

Gene: TYK2 (tyrosine kinase 2; minus strand). Cytogenetic location: 19p13.2.
Variant type: single nucleotide variant.
Coding change: c.318G>A on transcript NM_003331.5 (MANE Select); coding-DNA position 318, G replaced by A.
Protein change: p.Arg106=; no amino-acid change (arginine 106 retained).
Molecular consequence: synonymous variant.
Genome position (GRCh38, 1-based): chr19:10,368,202, C>T on the plus strand (G>A on the coding strand, the complement: TYK2 is on the minus strand). VCF-style: chr19-10368202-C-T. GRCh37 (hg19) VCF-style: chr19-10478878-C-T.
Other names: c.318G>A, p.Arg106= (NM_001385197.1, NM_001385198.1, NM_001385199.1 and 9 more transcripts).
Identifiers: ClinVar variation 1957919 (VCV001957919.5), dbSNP rs769483124, ClinGen allele CA9193764.